The following is an entry in ClinVar:

ClinVar aggregate classification (germline): Pathogenic (1 of 4 stars; one submission).

Conditions:
8q24.3 microdeletion syndrome. Also called: CHROMOSOME 8q24.3 DELETION SYNDROME; Verheij syndrome. Identifiers: Orphanet 508488, MedGen C3810023, MONDO:0014263, OMIM 615583.

Submission:

Randwick Genomics Laboratory, Prince of Wales Hospital Sydney, Australia, New South Wales Health Pathology
Classification: Pathogenic for 8q24.3 microdeletion syndrome. Review status: criteria provided, single submitter. Criteria: ACMG Guidelines, 2015. Collection method: clinical testing. Allele origin: germline. Affected: yes.
Comment: PVS1, PS2, PM2

Singleton, AD

NM_078480.3(PUF60):c.848_849del (p.Ala283fs)

Gene: PUF60 (poly(U) binding splicing factor 60; minus strand). Cytogenetic location: 8q24.3.
Variant type: Deletion.
Coding change: c.848_849del on transcript NM_078480.3 (MANE Select); coding-DNA positions 848 to 849, 2 bases deleted (CT; older notation c.848_849delCT).
Protein change: p.Ala283fs; shifts the reading frame from alanine 283.
Molecular consequence: frameshift variant.
Genome position (GRCh38, 1-based): chr8:143,817,751-143,817,752, AG deleted on the plus strand (CT on the coding strand, the reverse complement: PUF60 is on the minus strand). VCF-style (leftmost placement, unchanged base first): chr8-143817750-CAG-C. GRCh37 (hg19) VCF-style: chr8-144899920-CAG-C.
Other names: c.719_720del, p.Ala240fs (NM_001136033.3); c.794_795del, p.Ala265fs (NM_001271096.2); c.710_711del, p.Ala237fs (NM_001271097.2); c.845_846del, p.Ala282fs (NM_001271098.2); c.761_762del, p.Ala254fs (NM_001271099.2); c.668_669del, p.Ala223fs (NM_001271100.2); c.959_960del, p.Ala320fs (NM_001362895.2, NM_001362896.2); c.908_909del, p.Ala303fs (NM_001362897.2); and 1 more; short protein forms A223fs, A237fs, A240fs, A254fs, A265fs, A266fs, A282fs, A283fs.
Identifiers: ClinVar variation 1334131 (VCV001334131.2), dbSNP rs2130242336, ClinGen allele CA2573052984.
Genomic context (GRCh38, chr8:143,817,750, plus strand): 5'-TGACAGCCTTGCCCACCCGCAAGTACTGGCCACCCAGGTCAAAGAGGTTCATGGAAGACA[CAG>C]CATCTTGGGACGACTGGGCCTTCTCGTACTCTGTGGGCAGGAGCAGCAGTGAGCAGGGCC-3'